The following is an entry in ClinVar:

NM_001367624.2(ZNF469):c.1946C>G (p.Pro649Arg)

Gene: ZNF469 (zinc finger protein 469; plus strand). Cytogenetic location: 16q24.2.
Variant type: single nucleotide variant.
Coding change: c.1946C>G on transcript NM_001367624.2 (MANE Select); coding-DNA position 1946, C replaced by G.
Protein change: p.Pro649Arg; replaces proline 649 with arginine.
Molecular consequence: missense variant.
Genome position (GRCh38, 1-based): chr16:88,429,416, C>G. VCF-style: chr16-88429416-C-G. GRCh37 (hg19) VCF-style: chr16-88495824-C-G.
Other names: short protein forms P649R.
Identifiers: ClinVar variation 2797774 (VCV002797774.3), dbSNP rs1283739533, ClinGen allele CA397069293.

ClinVar aggregate classification (germline): Uncertain significance (1 of 4 stars; one submission).

gnomAD v4.1: 1 of 1,547,102 alleles (0.000065%); highest among the groups gnomAD compares: Non-Finnish European, 0.000087%; no homozygotes.

Submission:

Labcorp Genetics (formerly Invitae), Labcorp
Classification: Uncertain significance. Last evaluated: 2024-01-05. Review status: criteria provided, single submitter. Criteria: Invitae Variant Classification Sherloc (09022015). Collection method: clinical testing. Allele origin: germline.
Comment: This sequence change replaces proline, which is neutral and non-polar, with arginine, which is basic and polar, at codon 649 of the ZNF469 protein (p.Pro649Arg). This variant is not present in population databases (gnomAD no frequency). This variant has not been reported in the literature in individuals affected with ZNF469-related conditions. An algorithm developed to predict the effect of missense changes on protein structure and function (PolyPhen-2) suggests that this variant is likely to be disruptive. In summary, the available evidence is currently insufficient to determine the role of this variant in disease. Therefore, it has been classified as a Variant of Uncertain Significance.